The following is an entry in ClinVar:

NM_001256789.3(CACNA1F):c.844C>T (p.Pro282Ser)

Gene: CACNA1F (calcium voltage-gated channel subunit alpha1 F; minus strand). Cytogenetic location: Xp11.23.
Variant type: single nucleotide variant.
Coding change: c.844C>T on transcript NM_001256789.3 (MANE Select); coding-DNA position 844, C replaced by T.
Protein change: p.Pro282Ser; replaces proline 282 with serine.
Molecular consequence: missense variant.
Genome position (GRCh38, 1-based): chrX:49,228,421, G>A on the plus strand (C>T on the coding strand, the complement: CACNA1F is on the minus strand). VCF-style: chrX-49228421-G-A. GRCh37 (hg19) VCF-style: chrX-49084883-G-A.
Other names: c.649C>T, p.Pro217Ser (NM_001256790.3); c.844C>T, p.Pro282Ser (NM_005183.4); short protein forms P217S, P282S.
Identifiers: ClinVar variation 3661479 (VCV003661479.2).

ClinVar aggregate classification (germline): Uncertain significance (1 of 4 stars; one submission).

Submission:

Labcorp Genetics (formerly Invitae), Labcorp
Classification: Uncertain significance. Last evaluated: 2024-09-04. Review status: criteria provided, single submitter. Criteria: Invitae Variant Classification Sherloc (09022015). Collection method: clinical testing. Allele origin: germline.
Comment: This sequence change replaces proline, which is neutral and non-polar, with serine, which is neutral and polar, at codon 282 of the CACNA1F protein (p.Pro282Ser). This variant is not present in population databases (gnomAD no frequency). This variant has not been reported in the literature in individuals affected with CACNA1F-related conditions. Invitae Evidence Modeling of protein sequence and biophysical properties (such as structural, functional, and spatial information, amino acid conservation, physicochemical variation, residue mobility, and thermodynamic stability) indicates that this missense variant is expected to disrupt CACNA1F protein function with a positive predictive value of 80%. In summary, the available evidence is currently insufficient to determine the role of this variant in disease. Therefore, it has been classified as a Variant of Uncertain Significance.